The following is an entry in ClinVar:

ClinVar aggregate classification (germline): Pathogenic. Review status: criteria provided, multiple submitters, no conflicts (2 of 4 stars). 2 submissions from 2 submitters: Pathogenic (2). Last evaluated 2026-01-08.

Submissions (2):

Ambry Genetics
Classification: Pathogenic. Last evaluated: 2026-01-08. Review status: criteria provided, single submitter. Criteria: Ambry Variant Classification Scheme 2023. Collection method: clinical testing. Allele origin: germline.
Comment: The c.380dupC (p.A128Cfs*5) alteration, located in coding exon 2 of the FBRSL1 gene, consists of a duplication of C at position 380, causing a translational frameshift with a predicted alternate stop codon after 5 amino acids. This alteration is expected to result in loss of function by premature protein truncation or nonsense-mediated mRNA decay. This variant was not reported in population-based cohorts in the Genome Aggregation Database (gnomAD). This variant was determined to be de novo in at least one individual with features consistent with FBRSL1-related neurodevelopmental disorder (Xu, 2026). Based on the available evidence, this alteration is classified as pathogenic.

GeneDx
Classification: Pathogenic. Last evaluated: 2025-12-29. Review status: criteria provided, single submitter. Criteria: GeneDx Variant Classification Process June 2021. Collection method: clinical testing. Allele origin: germline.
Comment: Frameshift variant predicted to result in protein truncation or nonsense mediated decay in a gene or region of a gene for which loss of function is not a well-established mechanism of disease; Not observed at significant frequency in large population cohorts (gnomAD); Has not been previously published as pathogenic or benign to our knowledge

Literature cited by the submitters: PubMed 41232796 (cited by Ambry Genetics).

NM_001367871.1(FBRSL1):c.380dup (p.Ala128fs)

Gene: FBRSL1 (fibrosin like 1; plus strand). Cytogenetic location: 12q24.33.
Variant type: Duplication.
Coding change: c.380dup on transcript NM_001367871.1 (MANE Select); coding-DNA position 380, one base duplicated (C; older notation c.380dupC).
Protein change: p.Ala128fs; shifts the reading frame from alanine 128.
Molecular consequence: frameshift variant. On other transcripts: non-coding transcript variant (1).
Genome position (GRCh38, 1-based): chr12:132,508,241, C duplicated; the last of 6 consecutive C bases (chr12:132,508,236-132,508,241); duplicating any one gives the same sequence. VCF-style (leftmost placement, unchanged base first): chr12-132508235-G-GC. GRCh37 (hg19) VCF-style: chr12-133084821-G-GC.
Other names: c.380dup, p.Ala128fs (NM_001142641.2, NM_001382739.1, NM_001382740.1 and 2 more transcripts); c.83dup, p.Ala29fs (NM_001382742.1); c.380dupC (NM_001142641.1); short protein forms A128fs, A29fs.
Identifiers: ClinVar variation 3773982 (VCV003773982.3).